The following is an entry in ClinVar:

NM_001298.3(CNGA3):c.316G>T (p.Glu106Ter)

Gene: CNGA3 (cyclic nucleotide gated channel subunit alpha 3; plus strand). Cytogenetic location: 2q11.2.
Variant type: single nucleotide variant.
Coding change: c.316G>T on transcript NM_001298.3 (MANE Select); coding-DNA position 316, G replaced by T.
Protein change: p.Glu106Ter; replaces glutamic acid 106 with a stop codon.
Molecular consequence: nonsense.
Genome position (GRCh38, 1-based): chr2:98,380,275, G>T. VCF-style: chr2-98380275-G-T. GRCh37 (hg19) VCF-style: chr2-98996738-G-T.
Other names: c.316G>T, p.Glu106Ter (NM_001079878.2); short protein forms E106*.
Identifiers: ClinVar variation 1074330 (VCV001074330.7), dbSNP rs375152706, ClinGen allele CA347831093.

ClinVar aggregate classification (germline): Pathogenic (1 of 4 stars; one submission).

Submission:

Labcorp Genetics (formerly Invitae), Labcorp
Classification: Pathogenic. Last evaluated: 2020-08-21. Review status: criteria provided, single submitter. Criteria: Invitae Variant Classification Sherloc (09022015). Collection method: clinical testing. Allele origin: germline.
Comment: For these reasons, this variant has been classified as Pathogenic. Loss-of-function variants in CNGA3 are known to be pathogenic (PMID: 14757870, 24903488, 25637600). This sequence change creates a premature translational stop signal (p.Glu106*) in the CNGA3 gene. It is expected to result in an absent or disrupted protein product. This variant is not present in population databases (ExAC no frequency). This variant has not been reported in the literature in individuals with CNGA3-related conditions.

Literature cited by the submitters: PubMed 14757870; PubMed 24903488; PubMed 25637600.